The following is an entry in ClinVar:

NM_006904.7(PRKDC):c.4839C>G (p.His1613Gln)

Gene: PRKDC (protein kinase, DNA-activated, catalytic subunit; minus strand). Cytogenetic location: 8q11.21.
Variant type: single nucleotide variant.
Coding change: c.4839C>G on transcript NM_006904.7 (MANE Select); coding-DNA position 4839, C replaced by G.
Protein change: p.His1613Gln; replaces histidine 1613 with glutamine.
Molecular consequence: missense variant.
Genome position (GRCh38, 1-based): chr8:47,882,035, G>C on the plus strand (C>G on the coding strand, the complement: PRKDC is on the minus strand). VCF-style: chr8-47882035-G-C. GRCh37 (hg19) VCF-style: chr8-48794596-G-C.
Other names: c.4839C>G, p.His1613Gln (NM_001081640.2); short protein forms H1613Q.
Identifiers: ClinVar variation 2626338 (VCV002626338.2), dbSNP rs2551872721, ClinGen allele CA371142069.

ClinVar aggregate classification (germline): Uncertain significance (1 of 4 stars; one submission).

Submission:

Ambry Genetics
Classification: Uncertain significance. Last evaluated: 2023-07-12. Review status: criteria provided, single submitter. Criteria: Ambry Variant Classification Scheme 2023. Collection method: clinical testing. Allele origin: germline.
Comment: The p.H1613Q variant (also known as c.4839C>G), located in coding exon 37 of the PRKDC gene, results from a C to G substitution at nucleotide position 4839. The histidine at codon 1613 is replaced by glutamine, an amino acid with highly similar properties. This amino acid position is conserved. In addition, the in silico prediction for this alteration is inconclusive. Since supporting evidence is limited at this time, the clinical significance of this alteration remains unclear.